The following is an entry in ClinVar:

NM_004006.3(DMD):c.2176G>A (p.Val726Ile)

Gene: DMD (dystrophin; minus strand). Cytogenetic location: Xp21.1.
Variant type: single nucleotide variant.
Coding change: c.2176G>A on transcript NM_004006.3 (MANE Select); coding-DNA position 2176, G replaced by A.
Protein change: p.Val726Ile; replaces valine 726 with isoleucine.
Molecular consequence: missense variant.
Genome position (GRCh38, 1-based): chrX:32,518,124, C>T on the plus strand (G>A on the coding strand, the complement: DMD is on the minus strand). VCF-style: chrX-32518124-C-T. GRCh37 (hg19) VCF-style: chrX-32536241-C-T.
Other names: c.2152G>A, p.Val718Ile (NM_000109.4); c.2164G>A, p.Val722Ile (NM_004009.3); c.1807G>A, p.Val603Ile (NM_004010.3); short protein forms V603I, V718I, V722I, V726I.
Identifiers: ClinVar variation 2194851 (VCV002194851.4), dbSNP rs886044365, ClinGen allele CA412664214.
Genomic context (GRCh38, chrX:32,518,124, plus strand): 5'-CAGGACTCTGCAACACAGCTTCTGAGCGAGTAATCCAGCTGTGAAGTTCAGTTATATCAA[C>T]ATCCAACCTAAGACAGCAAAAAATAAAAGTCATTATTTCTTGATTATCTCTTTCTTCTAT-3'
Protein context (NP_003997.2, residues 716-736): VDSEIRKRLD[Val726Ile]DITELHSWIT

ClinVar aggregate classification (germline): Uncertain significance (1 of 4 stars; one submission).

Conditions:
Duchenne muscular dystrophy (DMD). Also called: MUSCULAR DYSTROPHY, PSEUDOHYPERTROPHIC PROGRESSIVE, DUCHENNE TYPE; Duchenne Muscular Dystrophy (DMD). Identifiers: Orphanet 98896, MedGen C0013264, MONDO:0010679, OMIM 310200.

Allele frequency attached by ClinVar (database versions not stated): gnomAD exomes below 0.00001; gnomAD 0.00003; TOPMed 0.00003.
gnomAD v4.1: 5 of 1,207,749 alleles (0.00041%); highest among the groups gnomAD compares: African/African-American, 0.0087%; no homozygotes.

Submission:

Labcorp Genetics (formerly Invitae), Labcorp
Classification: Uncertain significance for Duchenne muscular dystrophy. Last evaluated: 2024-10-20. Review status: criteria provided, single submitter. Criteria: Invitae Variant Classification Sherloc (09022015). Collection method: clinical testing. Allele origin: germline.
Comment: This sequence change replaces valine, which is neutral and non-polar, with isoleucine, which is neutral and non-polar, at codon 726 of the DMD protein (p.Val726Ile). This variant is not present in population databases (gnomAD no frequency). This variant has not been reported in the literature in individuals affected with DMD-related conditions. ClinVar contains an entry for this variant (Variation ID: 2194851). Invitae Evidence Modeling of protein sequence and biophysical properties (such as structural, functional, and spatial information, amino acid conservation, physicochemical variation, residue mobility, and thermodynamic stability) indicates that this missense variant is not expected to disrupt DMD protein function with a negative predictive value of 95%. In summary, the available evidence is currently insufficient to determine the role of this variant in disease. Therefore, it has been classified as a Variant of Uncertain Significance.